The following is an entry in ClinVar:

ClinVar aggregate classification (germline): Uncertain significance (1 of 4 stars; one submission).

Conditions:
Emery-Dreifuss muscular dystrophy 5, autosomal dominant (EDMD5). Also called: EMERY-DREIFUSS MUSCULAR DYSTROPHY 5. Identifiers: Orphanet 261, MedGen C2751805, MONDO:0013072, OMIM 612999.

Allele frequency attached by ClinVar (database versions not stated): TOPMed below 0.00001; gnomAD 0.00001; gnomAD exomes 0.00001; ExAC 0.00002.
gnomAD v4.1: 16 of 1,614,064 alleles (0.00099%); highest among the groups gnomAD compares: East Asian, 0.0022%; no homozygotes.

Submission:

Labcorp Genetics (formerly Invitae), Labcorp
Classification: Uncertain significance for Emery-Dreifuss muscular dystrophy 5, autosomal dominant. Last evaluated: 2023-12-22. Review status: criteria provided, single submitter. Criteria: Invitae Variant Classification Sherloc (09022015). Collection method: clinical testing. Allele origin: germline.
Comment: This sequence change replaces alanine, which is neutral and non-polar, with threonine, which is neutral and polar, at codon 4919 of the SYNE2 protein (p.Ala4919Thr). This variant is present in population databases (rs781072783, gnomAD 0.002%). This missense change has been observed in individual(s) with left ventricular non-compaction (PMID: 28798025). ClinVar contains an entry for this variant (Variation ID: 1021239). Algorithms developed to predict the effect of missense changes on protein structure and function output the following: SIFT: "Not Available"; PolyPhen-2: "Benign"; Align-GVGD: "Not Available". The threonine amino acid residue is found in multiple mammalian species, which suggests that this missense change does not adversely affect protein function. In summary, the available evidence is currently insufficient to determine the role of this variant in disease. Therefore, it has been classified as a Variant of Uncertain Significance.

Literature cited by the submitters: PubMed 28798025.

NM_182914.3(SYNE2):c.14755G>A (p.Ala4919Thr)

Gene: SYNE2 (spectrin repeat containing nuclear envelope protein 2; plus strand). Cytogenetic location: 14q23.2.
Variant type: single nucleotide variant.
Coding change: c.14755G>A on transcript NM_182914.3 (MANE Select); coding-DNA position 14755, G replaced by A.
Protein change: p.Ala4919Thr; replaces alanine 4919 with threonine.
Molecular consequence: missense variant.
Genome position (GRCh38, 1-based): chr14:64,137,895, G>A. VCF-style: chr14-64137895-G-A. GRCh37 (hg19) VCF-style: chr14-64604613-G-A.
Other names: c.14755G>A, p.Ala4919Thr (NM_015180.6); short protein forms A4919T.
Identifiers: ClinVar variation 1021239 (VCV001021239.8), dbSNP rs781072783, ClinGen allele CA7222864.